The following is an entry in ClinVar:

NM_012470.4(TNPO3):c.1628_1629insT (p.Glu543fs)

Gene: TNPO3 (transportin 3; minus strand). Cytogenetic location: 7q32.1.
Variant type: Insertion.
Coding change: c.1628_1629insT on transcript NM_012470.4 (MANE Select); coding-DNA positions 1628 to 1629, T inserted.
Protein change: p.Glu543fs; shifts the reading frame from glutamic acid 543.
Molecular consequence: frameshift variant. On other transcripts: non-coding transcript variant (18), intron variant (2).
Genome position: GRCh38 VCF-style: chr7-128986790-C-CA. GRCh37 (hg19) VCF-style: chr7-128626844-C-CA.
Other names: c.1628_1629insT (NM_012470.3); c.1730_1731insT, p.Glu577fs (NM_001382216.1); c.1709_1710insT, p.Glu570fs (NM_001382217.1); c.1628_1629insT, p.Glu543fs (NM_001382218.1, NM_001382220.1); c.1520_1521insT, p.Glu507fs (NM_001382219.1); c.1484_1485insT, p.Glu495fs (NM_001382221.1); c.1481_1482insT, p.Glu494fs (NM_001382222.1); c.1499-2532_1499-2531insT (NM_001382223.1, NM_001191028.3); short protein forms E494fs, E495fs, E507fs, E543fs, E570fs, E577fs.
Identifiers: ClinVar variation 2126709 (VCV002126709.5), dbSNP rs1800203405, ClinGen allele CA1107079580.

ClinVar aggregate classification (germline): Uncertain significance (1 of 4 stars; one submission).

Conditions:
Autosomal dominant limb-girdle muscular dystrophy type 1F (LGMDD2). Also called: Limb-girdle muscular dystrophy, type 1F; MUSCULAR DYSTROPHY, LIMB-GIRDLE, AUTOSOMAL DOMINANT 2. Identifiers: Orphanet 55595, MedGen C1842062, MONDO:0012034, OMIM 608423.

Submission:

Labcorp Genetics (formerly Invitae), Labcorp
Classification: Uncertain significance for Autosomal dominant limb-girdle muscular dystrophy type 1F. Last evaluated: 2022-04-25. Review status: criteria provided, single submitter. Criteria: Invitae Variant Classification Sherloc (09022015). Collection method: clinical testing. Allele origin: germline.
Comment: In summary, the available evidence is currently insufficient to determine the role of this variant in disease. Therefore, it has been classified as a Variant of Uncertain Significance. This variant has not been reported in the literature in individuals affected with TNPO3-related conditions. This variant is not present in population databases (gnomAD no frequency). This sequence change creates a premature translational stop signal (p.Glu543Aspfs*34) in the TNPO3 gene. It is expected to result in an absent or disrupted protein product. However, the current clinical and genetic evidence is not sufficient to establish whether loss-of-function variants in TNPO3 cause disease.